The following is an entry in ClinVar:

NM_139058.3(ARX):c.430G>T (p.Ala144Ser)

Genes: ARX (aristaless related homeobox; minus strand), LOC109610631 (aristaless related homeobox polyalanine expansion region; plus strand). Cytogenetic location: Xp21.3.
Variant type: single nucleotide variant.
Coding change: c.430G>T on transcript NM_139058.3 (MANE Select); coding-DNA position 430, G replaced by T.
Protein change: p.Ala144Ser; replaces alanine 144 with serine.
Molecular consequence: missense variant.
Genome position (GRCh38, 1-based): chrX:25,013,565, C>A on the plus strand (G>T on the coding strand, the complement: ARX is on the minus strand). VCF-style: chrX-25013565-C-A. GRCh37 (hg19) VCF-style: chrX-25031682-C-A.
Other names: short protein forms A144S.
Identifiers: ClinVar variation 1395120 (VCV001395120.4), dbSNP rs1253162910, ClinGen allele CA412613198.

ClinVar aggregate classification (germline): Uncertain significance. Review status: criteria provided, multiple submitters, no conflicts (2 of 4 stars). 2 submissions from 2 submitters: Uncertain significance (2). Last evaluated 2022-08-09.

Conditions:
Developmental and epileptic encephalopathy, 1 (DEE1). Also called: OHTAHARA SYNDROME, X-LINKED; X-linked infantile spasms; West's syndrome; Tonic spasms with clustering, arrest of psychomotor development and hypsarrhythmia on EEG; X-Linked Infantile Spasm Syndrome; INFANTILE SPASM SYNDROME, X-LINKED 1. Identifiers: MedGen C3463992, MONDO:0010632, OMIM 308350. Disease mechanism: loss of function.
Intellectual disability, X-linked, with or without seizures, ARX-related. Also called: Mental retardation, X-linked 52; MENTAL RETARDATION, X-LINKED 29; MENTAL RETARDATION, X-LINKED 32; MENTAL RETARDATION, X-LINKED 33; MENTAL RETARDATION, X-LINKED 38; MENTAL RETARDATION, X-LINKED 43. Identifiers: Orphanet 777, MedGen C0796244, MONDO:0010317, OMIM 300419.

Allele frequency attached by ClinVar (database versions not stated): gnomAD exomes below 0.00001; TOPMed below 0.00001; gnomAD 0.00001 and 0.00002; 1000 Genomes Project 30x 0.00021.

Submissions (2):

Labcorp Genetics (formerly Invitae), Labcorp
Classification: Uncertain significance for Developmental and epileptic encephalopathy, 1; Intellectual disability, X-linked, with or without seizures, ARX-related. Last evaluated: 2022-08-09. Review status: criteria provided, single submitter. Criteria: Invitae Variant Classification Sherloc (09022015). Collection method: clinical testing. Allele origin: germline.
Comment: This sequence change replaces alanine, which is neutral and non-polar, with serine, which is neutral and polar, at codon 144 of the ARX protein (p.Ala144Ser). The frequency data for this variant in the population databases is considered unreliable, as metrics indicate insufficient coverage at this position in the gnomAD database. This variant has not been reported in the literature in individuals affected with ARX-related conditions. ClinVar contains an entry for this variant (Variation ID: 1395120). Advanced modeling of protein sequence and biophysical properties (such as structural, functional, and spatial information, amino acid conservation, physicochemical variation, residue mobility, and thermodynamic stability) performed at Invitae indicates that this missense variant is not expected to disrupt ARX protein function. Algorithms developed to predict the effect of sequence changes on RNA splicing suggest that this variant may create or strengthen a splice site. In summary, the available evidence is currently insufficient to determine the role of this variant in disease. Therefore, it has been classified as a Variant of Uncertain Significance.

GeneDx
Classification: Uncertain significance. Last evaluated: 2022-03-03. Review status: criteria provided, single submitter. Criteria: GeneDx Variant Classification Process June 2021. Collection method: clinical testing. Allele origin: germline. Affected: yes.
Comment: Not observed at significant frequency in large population cohorts (gnomAD); In silico analysis supports that this missense variant does not alter protein structure/function; Has not been previously published as pathogenic or benign to our knowledge